The following is an entry in ClinVar:

ClinVar aggregate classification (germline): Uncertain significance (1 of 4 stars; one submission).

Submission:

Labcorp Genetics (formerly Invitae), Labcorp
Classification: Uncertain significance. Last evaluated: 2023-03-26. Review status: criteria provided, single submitter. Criteria: Invitae Variant Classification Sherloc (09022015). Collection method: clinical testing. Allele origin: germline.
Comment: This variant has not been reported in the literature in individuals affected with CTNNA1-related conditions. In summary, the available evidence is currently insufficient to determine the role of this variant in disease. Therefore, it has been classified as a Variant of Uncertain Significance. Advanced modeling of protein sequence and biophysical properties (such as structural, functional, and spatial information, amino acid conservation, physicochemical variation, residue mobility, and thermodynamic stability) performed at Invitae indicates that this missense variant is not expected to disrupt CTNNA1 protein function. This variant is not present in population databases (gnomAD no frequency). This sequence change replaces alanine, which is neutral and non-polar, with threonine, which is neutral and polar, at codon 544 of the CTNNA1 protein (p.Ala544Thr).

NM_001903.5(CTNNA1):c.1630G>A (p.Ala544Thr)

Gene: CTNNA1 (catenin alpha 1; plus strand). Cytogenetic location: 5q31.2.
Variant type: single nucleotide variant.
Coding change: c.1630G>A on transcript NM_001903.5 (MANE Select); coding-DNA position 1630, G replaced by A.
Protein change: p.Ala544Thr; replaces alanine 544 with threonine.
Molecular consequence: missense variant.
Genome position (GRCh38, 1-based): chr5:138,924,593, G>A. VCF-style: chr5-138924593-G-A. GRCh37 (hg19) VCF-style: chr5-138260282-G-A.
Other names: c.1630G>A, p.Ala544Thr (NM_001290307.3, NM_001323982.2, NM_001323983.1 and 2 more transcripts); c.1321G>A, p.Ala441Thr (NM_001290309.3); c.1261G>A, p.Ala421Thr (NM_001290310.3); c.520G>A, p.Ala174Thr (NM_001290312.1, NM_001323987.1, NM_001323988.1 and 17 more transcripts); c.1537G>A, p.Ala513Thr (NM_001323986.2); c.181G>A, p.Ala61Thr (NM_001324006.1, NM_001324007.1, NM_001324008.1 and 2 more transcripts); c.427G>A, p.Ala143Thr (NM_001324011.1); c.277G>A, p.Ala93Thr (NM_001324012.1, NM_001324013.1); short protein forms A421T, A513T, A544T, A61T, A174T, A441T, A143T, A93T.
Identifiers: ClinVar variation 2849523 (VCV002849523.3), dbSNP rs2150288663, ClinGen allele CA361131858.